The following is an entry in ClinVar:

ClinVar aggregate classification (germline): Uncertain significance (1 of 4 stars; one submission).

Conditions:
Spondyloepiphyseal dysplasia with congenital joint dislocations (SEDCJD). Also called: Chondrodysplasia with Congenital Joint Dislocations, CHST3-Related. Identifiers: Orphanet 263463, MedGen C1837657, MONDO:0007738, OMIM 143095.

Allele frequency attached by ClinVar (database versions not stated): gnomAD exomes below 0.00001; gnomAD 0.00001; TOPMed 0.00001.

Submission:

Labcorp Genetics (formerly Invitae), Labcorp
Classification: Uncertain significance for Spondyloepiphyseal dysplasia with congenital joint dislocations. Last evaluated: 2021-07-30. Review status: criteria provided, single submitter. Criteria: Invitae Variant Classification Sherloc (09022015). Collection method: clinical testing. Allele origin: germline.
Comment: This sequence change replaces glutamic acid with lysine at codon 288 of the CHST3 protein (p.Glu288Lys). The glutamic acid residue is highly conserved and there is a small physicochemical difference between glutamic acid and lysine. The frequency data for this variant in the population databases is considered unreliable, as metrics indicate insufficient coverage at this position in the ExAC database. This variant has not been reported in the literature in individuals affected with CHST3-related conditions. Algorithms developed to predict the effect of missense changes on protein structure and function (SIFT, PolyPhen-2, Align-GVGD) all suggest that this variant is likely to be disruptive. In summary, the available evidence is currently insufficient to determine the role of this variant in disease. Therefore, it has been classified as a Variant of Uncertain Significance.

NM_004273.5(CHST3):c.862G>A (p.Glu288Lys)

Gene: CHST3 (carbohydrate sulfotransferase 3; plus strand). Cytogenetic location: 10q22.1.
Variant type: single nucleotide variant.
Coding change: c.862G>A on transcript NM_004273.5 (MANE Select); coding-DNA position 862, G replaced by A.
Protein change: p.Glu288Lys; replaces glutamic acid 288 with lysine.
Molecular consequence: missense variant.
Genome position (GRCh38, 1-based): chr10:72,007,893, G>A. VCF-style: chr10-72007893-G-A. GRCh37 (hg19) VCF-style: chr10-73767651-G-A.
Other names: short protein forms E288K.
Identifiers: ClinVar variation 1508869 (VCV001508869.3), dbSNP rs903606184, ClinGen allele CA209479283.